The following is an entry in ClinVar:

ClinVar aggregate classification (germline): Likely pathogenic (1 of 4 stars; one submission).

Conditions:
Marfan syndrome (MFS). Also called: MARFAN SYNDROME, TYPE I; Marfan syndrome type 1; Marfan's syndrome; Marfan syndrome, classic; FBN1-Related Marfan Syndrome. Identifiers: Orphanet 284963, Orphanet 558, MedGen C0024796, MONDO:0007947, OMIM 154700.
Familial thoracic aortic aneurysm and aortic dissection (TAAD). Also called: Thoracic aortic aneurysms and dissections. Identifiers: Orphanet 91387, MedGen C4707243, MONDO:0019625.

Allele frequency attached by ClinVar (database versions not stated): gnomAD 0.00001.
gnomAD v4.1: 1 of 1,613,098 alleles (0.000062%); highest among the groups gnomAD compares: African/African-American, 0.0013%; no homozygotes.

Submission:

Labcorp Genetics (formerly Invitae), Labcorp
Classification: Likely pathogenic for Marfan syndrome; Familial thoracic aortic aneurysm and aortic dissection. Last evaluated: 2024-01-05. Review status: criteria provided, single submitter. Criteria: Invitae Variant Classification Sherloc (09022015). Collection method: clinical testing. Allele origin: germline.
Comment: This sequence change replaces cysteine, which is neutral and slightly polar, with arginine, which is basic and polar, at codon 250 of the FBN1 protein (p.Cys250Arg). This variant is not present in population databases (gnomAD no frequency). This variant has not been reported in the literature in individuals affected with FBN1-related conditions. Advanced modeling of protein sequence and biophysical properties (such as structural, functional, and spatial information, amino acid conservation, physicochemical variation, residue mobility, and thermodynamic stability) performed at Invitae indicates that this missense variant is expected to disrupt FBN1 protein function with a positive predictive value of 95%. This variant affects a cysteine residue in the EGF-like, TGFBP or hybrid motif domains of FBN1. Cysteine residues are believed to be involved in intramolecular disulfide bridges and have been shown to be important for FBN1 protein structure (PMID: 16905551, 19349279). In addition, missense substitutions affecting cysteine residues within these domains are significantly overrepresented among patients with Marfan syndrome (PMID: 16571647, 17701892). In summary, the currently available evidence indicates that the variant is pathogenic, but additional data are needed to prove that conclusively. Therefore, this variant has been classified as Likely Pathogenic.

Literature cited by the submitters: PubMed 16905551; PubMed 19349279; PubMed 16571647; PubMed 17701892.

NM_000138.5(FBN1):c.748T>C (p.Cys250Arg)

Gene: FBN1 (fibrillin 1; minus strand). Cytogenetic location: 15q21.1.
Variant type: single nucleotide variant.
Coding change: c.748T>C on transcript NM_000138.5 (MANE Select); coding-DNA position 748, T replaced by C.
Protein change: p.Cys250Arg; replaces cysteine 250 with arginine.
Molecular consequence: missense variant.
Genome position (GRCh38, 1-based): chr15:48,534,194, A>G on the plus strand (T>C on the coding strand, the complement: FBN1 is on the minus strand). VCF-style: chr15-48534194-A-G. GRCh37 (hg19) VCF-style: chr15-48826391-A-G.
Other names: c.748T>C, p.Cys250Arg (NM_001406716.1, NM_001406717.1); short protein forms C250R.
Identifiers: ClinVar variation 2944928 (VCV002944928.3), dbSNP rs2043996090, ClinGen allele CA392352827.
Genomic context (GRCh38, chr15:48,534,194, plus strand): 5'-CAAAAGACCCAACAGTATTAATGCAATTTCCTCCCTGACAGAGCCCGGGGATGGCCTGGC[A>G]TTCATCCACATCTGTCAGATTACAGAAGACAGAGAGAAAAAAAAAAAACTCATATGAAAT-3'
Protein context (NP_000129.3, residues 240-260): RTGACQDVDE[Cys250Arg]QAIPGLCQGG